The following is an entry in ClinVar:

NM_007186.6(CEP250):c.5570G>A (p.Arg1857His)

Gene: CEP250 (centrosomal protein 250; plus strand). Cytogenetic location: 20q11.22.
Variant type: single nucleotide variant.
Coding change: c.5570G>A on transcript NM_007186.6 (MANE Select); coding-DNA position 5570, G replaced by A.
Protein change: p.Arg1857His; replaces arginine 1857 with histidine.
Molecular consequence: missense variant.
Genome position (GRCh38, 1-based): chr20:35,503,939, G>A. VCF-style: chr20-35503939-G-A. GRCh37 (hg19) VCF-style: chr20-34091767-G-A.
Other names: c.3674G>A, p.Arg1225His (NM_001318219.1); c.5570G>A (NM_007186.5); short protein forms R1225H, R1857H.
Identifiers: ClinVar variation 1167414 (VCV001167414.34), dbSNP rs73903079, ClinGen allele CA9833896.
Genomic context (GRCh38, chr20:35,503,939, plus strand): 5'-AGGAAAAGGCAGACGCCCTCCAGGGAGCTCTGGAGCAAGCCCATATGACACTGAAGGAGC[G>A]TCATGGAGAGCTTCAGGACCACAAGGAACAGGCACGAAGGCTGGAGGAAGAGCTGGCAGT-3'
Protein context (NP_009117.2, residues 1847-1867): LEQAHMTLKE[Arg1857His]HGELQDHKEQ

ClinVar aggregate classification (germline): Benign/Likely benign. Review status: criteria provided, multiple submitters, no conflicts (2 of 4 stars). 5 submissions from 5 submitters: Benign (2); Likely benign (2). 1 of the submissions does not count toward it. Last evaluated 2026-02-01.

Conditions:
CEP250-related disorder. Also called: CEP250-related condition.

Allele frequency attached by ClinVar (database versions not stated): gnomAD exomes 0.00120; ExAC 0.00129; ESP Exome Variant Server 0.00392; 1000 Genomes Project 0.00399; gnomAD 0.00411 and 0.00442; TOPMed 0.00443; 1000 Genomes Project 30x 0.00453.
gnomAD v4.1: 1,382 of 1,613,428 alleles (0.086%); highest among the groups gnomAD compares: African/African-American, 1.3%; 10 homozygotes.

Submissions (5):

Labcorp Genetics (formerly Invitae), Labcorp
Classification: Benign. Last evaluated: 2026-02-01. Review status: criteria provided, single submitter. Criteria: Invitae Variant Classification Sherloc (09022015). Collection method: clinical testing. Allele origin: germline.

CeGaT Center for Human Genetics Tuebingen
Classification: Likely benign. Last evaluated: 2026-01-01. Review status: criteria provided, single submitter. Criteria: CeGaT Center For Human Genetics Tuebingen Variant Classification Criteria Version 2. Collection method: clinical testing. Allele origin: germline. Affected: yes. Observed: 2 variant alleles.
Comment: CEP250: BP4, BS1

Blueprint Genetics
Classification: Likely benign. Last evaluated: 2024-10-30. Review status: criteria provided, single submitter. Criteria: ACMG Guidelines, 2015. Collection method: clinical testing. Allele origin: germline.

Breakthrough Genomics
Classification: Benign. Review status: criteria provided, single submitter. Criteria: ACMG Guidelines, 2015. Collection method: not provided. Allele origin: germline. Inheritance: Autosomal recessive inheritance. Affected: yes.

PreventionGenetics, part of Exact Sciences
Classification: Benign for CEP250-related condition. Last evaluated: 2019-10-16. Review status: no assertion criteria provided. Collection method: clinical testing. Allele origin: germline. Not counted in ClinVar's aggregate classification.
Comment: This variant is classified as benign based on ACMG/AMP sequence variant interpretation guidelines (Richards et al. 2015 PMID: 25741868, with internal and published modifications).